The following is an entry in ClinVar:

ClinVar aggregate classification (germline): Uncertain significance (1 of 4 stars; one submission).

Conditions:
Inborn genetic diseases. Identifiers: MedGen C0950123, MeSH D030342.

Submission:

Ambry Genetics
Classification: Uncertain significance for Inborn genetic diseases. Last evaluated: 2025-04-28. Review status: criteria provided, single submitter. Criteria: Ambry Variant Classification Scheme 2023. Collection method: clinical testing. Allele origin: germline.
Comment: The p.P125S variant (also known as c.373C>T), located in coding exon 4 of the AKT1 gene, results from a C to T substitution at nucleotide position 373. The proline at codon 125 is replaced by serine, an amino acid with similar properties. This amino acid position is conserved. In addition, this alteration is predicted to be tolerated by in silico analysis. Based on the available evidence, the clinical significance of this variant remains unclear.

NM_001382430.1(AKT1):c.373C>T (p.Pro125Ser)

Gene: AKT1 (AKT serine/threonine kinase 1; minus strand). Cytogenetic location: 14q32.33.
Variant type: single nucleotide variant.
Coding change: c.373C>T on transcript NM_001382430.1 (MANE Select); coding-DNA position 373, C replaced by T.
Protein change: p.Pro125Ser; replaces proline 125 with serine.
Molecular consequence: missense variant.
Genome position (GRCh38, 1-based): chr14:104,775,714, G>A on the plus strand (C>T on the coding strand, the complement: AKT1 is on the minus strand). VCF-style: chr14-104775714-G-A. GRCh37 (hg19) VCF-style: chr14-105242051-G-A.
Other names: c.373C>T, p.Pro125Ser (NM_001014431.2, NM_001014432.2, NM_001382431.1 and 3 more transcripts); short protein forms P125S.
Identifiers: ClinVar variation 4036067 (VCV004036067.1).